The following is an entry in ClinVar:

ClinVar aggregate classification (germline): Uncertain significance (1 of 4 stars; one submission).

Conditions:
Mitchell syndrome. Identifiers: Orphanet 631248, MedGen C5394554, MONDO:0030073, OMIM 618960.
Acyl-CoA oxidase deficiency. Also called: STRAIGHT-CHAIN ACYL-CoA OXIDASE DEFICIENCY; Pseudoneonatal adrenoleukodystrophy; Peroxisomal acyl-CoA oxidase deficiency. Identifiers: Orphanet 2971, MedGen C1849678, MONDO:0009919, OMIM 264470. Disease mechanism: loss of function.

Submission:

Clinical Genomics Laboratory, Washington University in St. Louis
Classification: Uncertain significance for Acyl-CoA oxidase deficiency; Mitchell syndrome. Last evaluated: 2025-11-13. Review status: criteria provided, single submitter. Criteria: ACMG Guidelines, 2015. Collection method: clinical testing. Allele origin: germline.
Comment: The ACOX1 c.901A>G (p.Ile301Val) variant, to our knowledge, has not been reported in the medical literature. This variant is absent from the general population (gnomAD v.2.1.1), indicating it is not a common variant. Computational predictors suggest that the variant does not impact ACOX1 function. Due to limited information, and based on ACMG/AMP guidelines for variant interpretation (Richards S et al., PMID: 25741868), the clinical significance of this variant is uncertain at this time.

NM_004035.7(ACOX1):c.901A>G (p.Ile301Val)

Gene: ACOX1 (acyl-CoA oxidase 1; minus strand). Cytogenetic location: 17q25.1.
Variant type: single nucleotide variant.
Coding change: c.901A>G on transcript NM_004035.7 (MANE Select); coding-DNA position 901, A replaced by G.
Protein change: p.Ile301Val; replaces isoleucine 301 with valine.
Molecular consequence: missense variant.
Genome position (GRCh38, 1-based): chr17:75,953,494, T>C on the plus strand (A>G on the coding strand, the complement: ACOX1 is on the minus strand). VCF-style: chr17-75953494-T-C. GRCh37 (hg19) VCF-style: chr17-73949575-T-C.
Other names: c.787A>G, p.Ile263Val (NM_001185039.2); c.901A>G, p.Ile301Val (NM_007292.6); short protein forms I263V, I301V.
Identifiers: ClinVar variation 4879311 (VCV004879311.1).